The following is an entry in ClinVar:

ClinVar aggregate classification (germline): Likely benign. Review status: criteria provided, single submitter (1 of 4 stars). 2 submissions from 2 submitters: Likely benign (1). 1 of the submissions does not count toward it. Last evaluated 2023-04-26.

Conditions:
SYNE1-related disorder. Also called: SYNE1-related disorders; SYNE1-related disease; SYNE1-related condition.

gnomAD v4.1: 2 of 1,614,226 alleles (0.00012%); highest among the groups gnomAD compares: Non-Finnish European, 0.00017%; no homozygotes.

Submissions (2):

Blueprint Genetics
Classification: Likely benign. Last evaluated: 2023-04-26. Review status: criteria provided, single submitter. Criteria: ACMG Guidelines, 2015. Collection method: clinical testing. Allele origin: germline.

PreventionGenetics, part of Exact Sciences
Classification: Likely benign for SYNE1-related condition. Last evaluated: 2024-08-23. Review status: no assertion criteria provided. Collection method: clinical testing. Allele origin: germline. Not counted in ClinVar's aggregate classification.
Comment: This variant is classified as likely benign based on ACMG/AMP sequence variant interpretation guidelines (Richards et al. 2015 PMID: 25741868, with internal and published modifications).

NM_182961.4(SYNE1):c.23823A>C (p.Thr7941=)

Gene: SYNE1 (spectrin repeat containing nuclear envelope protein 1; minus strand). Cytogenetic location: 6q25.2.
Variant type: single nucleotide variant.
Coding change: c.23823A>C on transcript NM_182961.4 (MANE Select); coding-DNA position 23823, A replaced by C.
Protein change: p.Thr7941=; no amino-acid change (threonine 7941 retained).
Molecular consequence: synonymous variant.
Genome position (GRCh38, 1-based): chr6:152,156,065, T>G on the plus strand (A>C on the coding strand, the complement: SYNE1 is on the minus strand). VCF-style: chr6-152156065-T-G. GRCh37 (hg19) VCF-style: chr6-152477200-T-G.
Other names: c.429A>C, p.Thr143= (NM_001347701.2); c.288A>C, p.Thr96= (NM_001347702.2); c.23610A>C, p.Thr7870= (NM_033071.5).
Identifiers: ClinVar variation 3351033 (VCV003351033.2).